The following is an entry in ClinVar:

ClinVar aggregate classification (germline): Uncertain significance (1 of 4 stars; one submission).

gnomAD v4.1: 1 of 1,367,678 alleles (0.000073%); highest among the groups gnomAD compares: African/African-American, 0.0015%; no homozygotes.

Submission:

Ambry Genetics
Classification: Uncertain significance. Last evaluated: 2026-06-20. Review status: criteria provided, single submitter. Criteria: Ambry Variant Classification Scheme 2023. Collection method: clinical testing. Allele origin: germline.
Comment: The p.P2216A variant (also known as c.6646C>G), located in coding exon 29 of the WNK2 gene, results from a C to G substitution at nucleotide position 6646. The proline at codon 2216 is replaced by alanine, an amino acid with highly similar properties. This amino acid position is conserved. In addition, this alteration is predicted to be tolerated by in silico analysis. Based on the available evidence, the clinical significance of this variant remains unclear.

NM_006648.4(WNK2):c.6646C>G (p.Pro2216Ala)

Gene: WNK2 (WNK lysine deficient protein kinase 2; plus strand). Cytogenetic location: 9q22.31.
Variant type: single nucleotide variant.
Coding change: c.6646C>G on transcript NM_006648.4 (MANE Select); coding-DNA position 6646, C replaced by G.
Protein change: p.Pro2216Ala; replaces proline 2216 with alanine.
Molecular consequence: missense variant.
Genome position (GRCh38, 1-based): chr9:93,320,384, C>G. VCF-style: chr9-93320384-C-G. GRCh37 (hg19) VCF-style: chr9-96082666-C-G.
Other names: short protein forms P2216A.
Identifiers: ClinVar variation 5031797 (VCV005031797.1).
Genomic context (GRCh38, chr9:93,320,384, plus strand): 5'-ACTGCGGTGGGCCCACAGTCAGCTGCGCGGTTTTGTTTTCCAGATCCTGAGAGTGAGAAG[C>G]CTGACTGACCCCGCCTAGACGCCAGGCCCACTTCACGCCGTCTAAGTGGAGAAGTGACGG-3'
Protein context (NP_006639.3, residues 2206-2217): VPTPDPESEK[Pro2216Ala]D